The following is an entry in ClinVar:

NM_001367624.2(ZNF469):c.482C>T (p.Pro161Leu)

Gene: ZNF469 (zinc finger protein 469; plus strand). Cytogenetic location: 16q24.2.
Variant type: single nucleotide variant.
Coding change: c.482C>T on transcript NM_001367624.2 (MANE Select); coding-DNA position 482, C replaced by T.
Protein change: p.Pro161Leu; replaces proline 161 with leucine.
Molecular consequence: missense variant.
Genome position (GRCh38, 1-based): chr16:88,427,952, C>T. VCF-style: chr16-88427952-C-T. GRCh37 (hg19) VCF-style: chr16-88494360-C-T.
Other names: NM_001127464.1:c.482C>T; short protein forms P161L.
Identifiers: ClinVar variation 2626123 (VCV002626123.2), dbSNP rs769547100, ClinGen allele CA8224591.

ClinVar aggregate classification (germline): Uncertain significance (1 of 4 stars; one submission).

Conditions:
Cardiovascular phenotype. Identifiers: MedGen CN230736.

Allele frequency attached by ClinVar (database versions not stated): gnomAD 0.00001; ExAC 0.00007.
gnomAD v4.1: 2 of 1,549,880 alleles (0.00013%); highest among the groups gnomAD compares: African/African-American, 0.0027%; no homozygotes.

Submission:

Ambry Genetics
Classification: Uncertain significance for Cardiovascular phenotype. Last evaluated: 2023-07-31. Review status: criteria provided, single submitter. Criteria: Ambry Variant Classification Scheme 2023. Collection method: clinical testing. Allele origin: germline.
Comment: The p.P161L variant (also known as c.482C>T), located in coding exon 1 of the ZNF469 gene, results from a C to T substitution at nucleotide position 482. The proline at codon 161 is replaced by leucine, an amino acid with similar properties. This amino acid position is conserved. In addition, this alteration is predicted to be tolerated by in silico analysis. Since supporting evidence is limited at this time, the clinical significance of this alteration remains unclear.